The following is an entry in ClinVar:

ClinVar aggregate classification (germline): Likely benign. Review status: criteria provided, multiple submitters, no conflicts (2 of 4 stars). 4 submissions from 4 submitters: Likely benign (4). Last evaluated 2023-12-01.

Conditions:
Cardiomyopathy (CMYO). Also called: Cardiomyopathies. Identifiers: Orphanet 167848, MedGen C0878544, MONDO:0004994, HP:0001638. Inheritance: Various modes of inheritance.
Hypertrophic cardiomyopathy. Also called: HYPERTROPHIC MYOCARDIOPATHY. Identifiers: Orphanet 217569, MedGen C0007194, MeSH D002312, MONDO:0005045, HP:0001639.

Allele frequency attached by ClinVar (database versions not stated): gnomAD exomes below 0.00001; ExAC 0.00001.
gnomAD v4.1: 6 of 1,612,530 alleles (0.00037%); highest among the groups gnomAD compares: Middle Eastern, 0.017%; no homozygotes.

Submissions (4):

All of Us Research Program, National Institutes of Health
Classification: Likely benign for Hypertrophic cardiomyopathy. Last evaluated: 2023-12-01. Review status: criteria provided, single submitter. Criteria: ACMG Guidelines, 2015. Collection method: clinical testing. Allele origin: germline. Inheritance: Autosomal dominant inheritance. Observed: 2 variant alleles, 2 heterozygotes.
Comment: This study involves interpretation of variants in research participants for the purpose of population health screening. Participant phenotype was not available at the time of variant classification. Additional details can be found in publication PMID: 35346344, PMCID: PMC8962531

Labcorp Genetics (formerly Invitae), Labcorp
Classification: Likely benign for Hypertrophic cardiomyopathy. Last evaluated: 2023-11-24. Review status: criteria provided, single submitter. Criteria: Invitae Variant Classification Sherloc (09022015). Collection method: clinical testing. Allele origin: germline.

Blueprint Genetics
Classification: Likely benign. Last evaluated: 2020-03-17. Review status: criteria provided, single submitter. Criteria: ACMG Guidelines, 2015. Collection method: clinical testing. Allele origin: germline.

Color Diagnostics, LLC DBA Color Health
Classification: Likely benign for Cardiomyopathy. Last evaluated: 2019-11-21. Review status: criteria provided, single submitter. Criteria: ACMG Guidelines, 2015. Collection method: clinical testing. Allele origin: germline.

NM_000363.5(TNNI3):c.12-4C>T

Gene: TNNI3 (troponin I3, cardiac type; minus strand). Cytogenetic location: 19q13.42.
Variant type: single nucleotide variant.
Coding change: c.12-4C>T on transcript NM_000363.5 (MANE Select); 4 bases into the intron before coding-DNA position 12, C replaced by T.
Molecular consequence: intron variant.
Genome position (GRCh38, 1-based): chr19:55,157,312, G>A on the plus strand (C>T on the coding strand, the complement: TNNI3 is on the minus strand). VCF-style: chr19-55157312-G-A. GRCh37 (hg19) VCF-style: chr19-55668680-G-A.
Identifiers: ClinVar variation 1171381 (VCV001171381.9), dbSNP rs769896482, ClinGen allele CA050274.